The following is an entry in ClinVar:

ClinVar aggregate classification (germline): Uncertain significance (1 of 4 stars; one submission).

Submission:

Medical Genetic Center, Changzhi Maternal and Child Health Care Hospital
Classification: Uncertain significance. Last evaluated: 2025-12-10. Review status: criteria provided, single submitter. Criteria: ACMG/ClinGen CNV Guidelines, 2019. Collection method: clinical testing. Allele origin: unknown.
Comment: STRC deletion cariirer

GRCh38/hg38 15q15.3(chr15:43553262-43722044)x1

Genes: CATSPER2 (cation channel sperm associated 2; minus strand), CKMT1A (creatine kinase, mitochondrial 1A; plus strand), CKMT1B (creatine kinase, mitochondrial 1B; plus strand), PPIP5K1 (diphosphoinositol pentakisphosphate kinase 1; minus strand), STRC (stereocilin; minus strand) and 2 more. Cytogenetic location: 15q15.3.
Variant type: copy number loss.
Change: copy number 1 (one copy instead of two) of chr15:43,553,262-43,722,044 (168.8 kb, GRCh38 coordinates, 1-based), cytogenetic band 15q15.3.
Identifiers: ClinVar variation 4796173 (VCV004796173.1).